The following is an entry in ClinVar:

NM_000051.4(ATM):c.2763T>C (p.Ala921=)

Gene: ATM (ATM serine/threonine kinase; plus strand). Cytogenetic location: 11q22.3.
Variant type: single nucleotide variant.
Coding change: c.2763T>C on transcript NM_000051.4 (MANE Select); coding-DNA position 2763, T replaced by C.
Protein change: p.Ala921=; no amino-acid change (alanine 921 retained).
Molecular consequence: synonymous variant.
Genome position (GRCh38, 1-based): chr11:108,268,534, T>C. VCF-style: chr11-108268534-T-C. GRCh37 (hg19) VCF-style: chr11-108139261-T-C.
Other names: c.2763T>C, p.Ala921= (NM_001351834.2).
Identifiers: ClinVar variation 482606 (VCV000482606.17), dbSNP rs1555083334, ClinGen allele CA476673937.

ClinVar aggregate classification (germline): Benign/Likely benign. Review status: criteria provided, multiple submitters, no conflicts (2 of 4 stars). 3 submissions from 3 submitters: Benign (1); Likely benign (2). Last evaluated 2025-05-05.

Conditions:
Familial cancer of breast. Also called: BREAST CANCER, FAMILIAL; Hereditary breast cancer; hereditary breast carcinoma. Identifiers: Orphanet 227535, MedGen C0346153, MONDO:0016419, OMIM 114480. Disease mechanism: loss of function.
Hereditary cancer-predisposing syndrome. Also called: Hereditary neoplastic syndrome; Neoplastic Syndromes, Hereditary; Tumor predisposition; Hereditary Cancer Syndrome. Identifiers: Orphanet 140162, MedGen C0027672, MeSH D009386, MONDO:0015356.
Ataxia-telangiectasia syndrome (AT). Also called: LOUIS-BAR SYNDROME; Cerebello-oculocutaneous telangiectasia; Immunodeficiency with ataxia telangiectasia; AT, COMPLEMENTATION GROUP C; Ataxia-telangiectasia, complementation group D; ATAXIA-TELANGIECTASIA, COMPLEMENTATION GROUP A. Identifiers: Orphanet 100, MedGen C0004135, MONDO:0008840, OMIM 208900.

Submissions (3):

Labcorp Genetics (formerly Invitae), Labcorp
Classification: Likely benign for Ataxia-telangiectasia syndrome. Last evaluated: 2025-05-05. Review status: criteria provided, single submitter. Criteria: Invitae Variant Classification Sherloc (09022015). Collection method: clinical testing. Allele origin: germline.

Myriad Genetics, Inc.
Classification: Benign for Familial cancer of breast. Last evaluated: 2024-05-10. Review status: criteria provided, single submitter. Criteria: Myriad Autosomal Dominant, Autosomal Recessive and X-Linked Classification Criteria (2023). Collection method: clinical testing. Allele origin: unknown.
Comment: This variant is considered benign. This variant is a silent/synonymous amino acid change and it is not expected to impact splicing.

Ambry Genetics
Classification: Likely benign for Hereditary cancer-predisposing syndrome. Last evaluated: 2016-06-06. Review status: criteria provided, single submitter. Criteria: Ambry Variant Classification Scheme 2023. Collection method: clinical testing. Allele origin: germline.